The following is an entry in ClinVar:

ClinVar aggregate classification (germline): Uncertain significance (1 of 4 stars; one submission).

Conditions:
Metachromatic leukodystrophy (MLD). Also called: SULFATIDE LIPIDOSIS; ARSA DEFICIENCY; CEREBROSIDE SULFATASE DEFICIENCY; Cerebral sclerosis diffuse metachromatic form; Arylsulfatase A Deficiency; METACHROMATIC LEUKOENCEPHALOPATHY. Identifiers: Orphanet 512, MedGen C0023522, MONDO:0018868, OMIM 250100.

Allele frequency attached by ClinVar (database versions not stated): TOPMed below 0.00001; ExAC 0.00002; gnomAD exomes 0.00002.

Submission:

Labcorp Genetics (formerly Invitae), Labcorp
Classification: Uncertain significance for Metachromatic leukodystrophy. Last evaluated: 2021-11-30. Review status: criteria provided, single submitter. Criteria: Invitae Variant Classification Sherloc (09022015). Collection method: clinical testing. Allele origin: germline.
Comment: This sequence change replaces alanine, which is neutral and non-polar, with threonine, which is neutral and polar, at codon 486 of the ARSA protein (p.Ala486Thr). This variant is present in population databases (rs777458560, gnomAD 0.003%). This variant has not been reported in the literature in individuals affected with ARSA-related conditions. Advanced modeling of protein sequence and biophysical properties (such as structural, functional, and spatial information, amino acid conservation, physicochemical variation, residue mobility, and thermodynamic stability) performed at Invitae indicates that this missense variant is expected to disrupt ARSA protein function. In summary, the available evidence is currently insufficient to determine the role of this variant in disease. Therefore, it has been classified as a Variant of Uncertain Significance.

NM_000487.6(ARSA):c.1456G>A (p.Ala486Thr)

Gene: ARSA (arylsulfatase A; minus strand). Cytogenetic location: 22q13.33.
Variant type: single nucleotide variant.
Coding change: c.1456G>A on transcript NM_000487.6 (MANE Select); coding-DNA position 1456, G replaced by A.
Protein change: p.Ala486Thr; replaces alanine 486 with threonine.
Molecular consequence: missense variant.
Genome position (GRCh38, 1-based): chr22:50,625,219, C>T on the plus strand (G>A on the coding strand, the complement: ARSA is on the minus strand). VCF-style: chr22-50625219-C-T. GRCh37 (hg19) VCF-style: chr22-51063647-C-T.
Other names: c.1456G>A, p.Ala486Thr (NM_001085425.3, NM_001085426.3, NM_001085427.3); c.1198G>A, p.Ala400Thr (NM_001085428.3, NM_001362782.2); short protein forms A400T, A486T.
Identifiers: ClinVar variation 1973893 (VCV001973893.4), dbSNP rs777458560, ClinGen allele CA10324723.
Genomic context (GRCh38, chr22:50,625,219, plus strand): 5'-CTGGGCAATGGCAGCAAGCTGGGCGGGGGGTGCAGCCAGGATGACAGCAGATCTGCAGGG[C>T]GGGGTCCTCGCCCCGGGCCACCTGGCTGGGGCCGAAGGTCACAGCTGCGTCTAACTGGGC-3'
Protein context (NP_000478.3, residues 476-496): PSQVARGEDP[Ala486Thr]LQICCHPGCT